The following is an entry in ClinVar:

ClinVar aggregate classification (germline): Uncertain significance. Review status: criteria provided, single submitter (1 of 4 stars). 2 submissions from 2 submitters: Uncertain significance (1). 1 of the submissions does not count toward it. Last evaluated 2026-01-18.

Conditions:
Autosomal recessive limb-girdle muscular dystrophy type 2A (LGMDR1). Also called: LEYDEN-MOEBIUS MUSCULAR DYSTROPHY; MUSCULAR DYSTROPHY, PELVOFEMORAL; Limb-girdle muscular dystrophy, type 2A; Calpainopathy; Muscular dystrophy, limb-girdle, type 2A, Amish. Identifiers: Orphanet 267, MedGen C1869123, MONDO:0009675, OMIM 253600. Disease mechanism: loss of function.

Allele frequency attached by ClinVar (database versions not stated): gnomAD exomes below 0.00001.

Submissions (2):

Labcorp Genetics (formerly Invitae), Labcorp
Classification: Uncertain significance for Autosomal recessive limb-girdle muscular dystrophy type 2A. Last evaluated: 2026-01-18. Review status: criteria provided, single submitter. Criteria: Invitae Variant Classification Sherloc (09022015). Collection method: clinical testing. Allele origin: germline.
Comment: This sequence change replaces asparagine, which is neutral and polar, with histidine, which is basic and polar, at codon 749 of the CAPN3 protein (p.Asn749His). This variant is not present in population databases (gnomAD no frequency). This missense change has been observed in individual(s) with limb-girdle muscular dystrophy (PMID: 16372320, 25135358). ClinVar contains an entry for this variant (Variation ID: 553317). Invitae Evidence Modeling of protein sequence and biophysical properties (such as structural, functional, and spatial information, amino acid conservation, physicochemical variation, residue mobility, and thermodynamic stability) indicates that this missense variant is not expected to disrupt CAPN3 protein function with a negative predictive value of 80%. In summary, the available evidence is currently insufficient to determine the role of this variant in disease. Therefore, it has been classified as a Variant of Uncertain Significance.

Counsyl
Classification: Uncertain significance for Autosomal recessive limb-girdle muscular dystrophy type 2A. Last evaluated: 2017-08-15. Review status: no assertion criteria provided. Collection method: clinical testing. Allele origin: unknown. Not counted in ClinVar's aggregate classification.

Literature cited by the submitters: PubMed 16372320 (cited by Labcorp Genetics (formerly Invitae), Labcorp and Counsyl); PubMed 25135358 (cited by Labcorp Genetics (formerly Invitae), Labcorp and Counsyl).

NM_000070.3(CAPN3):c.2245A>C (p.Asn749His)

Gene: CAPN3 (calpain 3; plus strand). Cytogenetic location: 15q15.1.
Variant type: single nucleotide variant.
Coding change: c.2245A>C on transcript NM_000070.3 (MANE Select); coding-DNA position 2245, A replaced by C.
Protein change: p.Asn749His; replaces asparagine 749 with histidine.
Molecular consequence: missense variant.
Genome position (GRCh38, 1-based): chr15:42,410,648, A>C. VCF-style: chr15-42410648-A-C. GRCh37 (hg19) VCF-style: chr15-42702846-A-C.
Other names: c.2227A>C, p.Asn743His (NM_024344.2); c.1969A>C, p.Asn657His (NM_173087.2); c.709A>C, p.Asn237His (NM_173088.2); c.250A>C, p.Asn84His (NM_173089.2, NM_173090.2); short protein forms N749H, N237H, N657H, N743H, N84H.
Identifiers: ClinVar variation 553317 (VCV000553317.3), dbSNP rs201012232, ClinGen allele CA269853690.
Genomic context (GRCh38, chr15:42,410,648, plus strand): 5'-AAAATTTTCAAACACTATGACACAGACCAGTCCGGCACCATCAACAGCTACGAGATGCGA[A>C]ATGCAGTCAACGACGCAGGTGCTGAGAAGGAAGGGGTGGCAGGGATGTGGACCCGAGACG-3'
Protein context (NP_000061.1, residues 739-759): SGTINSYEMR[Asn749His]AVNDAGFHLN